The following is an entry in ClinVar:

NM_001113378.2(FANCI):c.3816+15A>T

Gene: FANCI (FA complementation group I; plus strand). Cytogenetic location: 15q26.1.
Variant type: single nucleotide variant.
Coding change: c.3816+15A>T on transcript NM_001113378.2 (MANE Select); 15 bases into the intron after coding-DNA position 3816, A replaced by T.
Molecular consequence: intron variant.
Genome position (GRCh38, 1-based): chr15:89,314,722, A>T. VCF-style: chr15-89314722-A-T. GRCh37 (hg19) VCF-style: chr15-89857953-A-T.
Other names: c.3636+15A>T (NM_018193.3); c.3816+15A>T (NM_001376911.1); c.3537+15A>T (NM_001376910.1).
Identifiers: ClinVar variation 317299 (VCV000317299.21), dbSNP rs28493988, ClinGen allele CA7723908.

ClinVar aggregate classification (germline): Benign/Likely benign. Review status: criteria provided, multiple submitters, no conflicts (2 of 4 stars). 7 submissions from 7 submitters: Benign (4); Likely benign (3). Last evaluated 2026-02-04.

Conditions:
Fanconi anemia (FA). Also called: Fanconi's anemia. Identifiers: Orphanet 84, MedGen C0015625, MeSH D005199, MONDO:0019391.
Fanconi anemia complementation group I (FANCI). Also called: FANCI-Related Fanconi Anemia. Identifiers: Orphanet 84, MedGen C1836861, MONDO:0012186, OMIM 609053.

Allele frequency attached by ClinVar (database versions not stated): gnomAD exomes 0.00664 and 0.01379; ExAC 0.01494; ESP Exome Variant Server 0.02170; gnomAD 0.02368 and 0.02379; TOPMed 0.02530; 1000 Genomes Project 0.04533.
gnomAD v4.1: 13,235 of 1,558,660 alleles (0.85%); highest among the groups gnomAD compares: East Asian, 8.8%; 354 homozygotes.

Submissions (7):

Labcorp Genetics (formerly Invitae), Labcorp
Classification: Benign for Fanconi anemia. Last evaluated: 2026-02-04. Review status: criteria provided, single submitter. Criteria: Invitae Variant Classification Sherloc (09022015). Collection method: clinical testing. Allele origin: germline.

ARUP Laboratories, Molecular Genetics and Genomics, ARUP Laboratories
Classification: Benign for Fanconi anemia complementation group I. Last evaluated: 2025-04-16. Review status: criteria provided, single submitter. Criteria: ARUP Molecular Germline Variant Investigation Process 2024. Collection method: clinical testing. Allele origin: germline.

Blueprint Genetics
Classification: Likely benign. Last evaluated: 2024-11-27. Review status: criteria provided, single submitter. Criteria: ACMG Guidelines, 2015. Collection method: clinical testing. Allele origin: germline.

KCCC/NGS Laboratory, Kuwait Cancer Control Center
Classification: Likely benign for Fanconi anemia complementation group I. Last evaluated: 2023-07-07. Review status: criteria provided, single submitter. Criteria: ACMG Guidelines, 2015. Collection method: clinical testing. Allele origin: germline. Affected: yes.

GeneDx
Classification: Benign. Last evaluated: 2018-07-15. Review status: criteria provided, single submitter. Criteria: GeneDx Variant Classification Process June 2021. Collection method: clinical testing. Allele origin: germline. Affected: yes.

Illumina Laboratory Services, Illumina
Classification: Benign for Fanconi anemia complementation group I. Last evaluated: 2018-01-12. Review status: criteria provided, single submitter. Criteria: ICSL Variant Classification Criteria 13 December 2019. Collection method: clinical testing. Allele origin: germline.
Comment: This variant was observed in the ICSL laboratory as part of a predisposition screen in an ostensibly healthy population. It had not been previously curated by ICSL or reported in the Human Gene Mutation Database (HGMD: prior to June 1st, 2018), and was therefore a candidate for classification through an automated scoring system. Utilizing variant allele frequency, disease prevalence and penetrance estimates, and inheritance mode, an automated score was calculated to assess if this variant is too frequent to cause the disease. Based on the score and internal cut-off values, a variant classified as benign is not then subjected to further curation. The score for this variant resulted in a classification of benign for this disease.

Breakthrough Genomics
Classification: Likely benign. Review status: criteria provided, single submitter. Criteria: ACMG Guidelines, 2015. Collection method: not provided. Allele origin: germline. Inheritance: Autosomal recessive inheritance. Affected: yes.